The following is an entry in ClinVar:

ClinVar aggregate classification (germline): Uncertain significance. Review status: criteria provided, multiple submitters, no conflicts (2 of 4 stars). 2 submissions from 2 submitters: Uncertain significance (2). Last evaluated 2023-11-23.

Conditions:
Tuberous sclerosis 2 (TSC2). Identifiers: Orphanet 805, MedGen C1860707, MONDO:0013199, OMIM 613254.
Isolated focal cortical dysplasia type II (FCORD2). Also called: Focal cortical dysplasia type II; CORTICAL DYSPLASIA OF TAYLOR. Identifiers: Orphanet 268994, MedGen C1846385, MONDO:0011818, OMIM 607341, HP:0032051.

Submissions (2):

Baylor Genetics
Classification: Uncertain significance for Isolated focal cortical dysplasia type II. Last evaluated: 2023-11-23. Review status: criteria provided, single submitter. Criteria: ACMG Guidelines, 2015. Collection method: clinical testing. Allele origin: unknown.

Labcorp Genetics (formerly Invitae), Labcorp
Classification: Uncertain significance for Tuberous sclerosis 2. Last evaluated: 2020-02-05. Review status: criteria provided, single submitter. Criteria: Invitae Variant Classification Sherloc (09022015). Collection method: clinical testing. Allele origin: germline.
Comment: In summary, the available evidence is currently insufficient to determine the role of this variant in disease. Therefore, it has been classified as a Variant of Uncertain Significance. Algorithms developed to predict the effect of missense changes on protein structure and function are either unavailable or do not agree on the potential impact of this missense change (SIFT: "Tolerated"; PolyPhen-2: "Possibly Damaging"; Align-GVGD: "Class C0"). This variant has not been reported in the literature in individuals with TSC2-related conditions. This variant is not present in population databases (ExAC no frequency). This sequence change replaces glutamic acid with lysine at codon 1523 of the TSC2 protein (p.Glu1523Lys). The glutamic acid residue is moderately conserved and there is a small physicochemical difference between glutamic acid and lysine.

NM_000548.5(TSC2):c.4567G>A (p.Glu1523Lys)

Gene: TSC2 (TSC complex subunit 2; plus strand). Cytogenetic location: 16p13.3.
Variant type: single nucleotide variant.
Coding change: c.4567G>A on transcript NM_000548.5 (MANE Select); coding-DNA position 4567, G replaced by A.
Protein change: p.Glu1523Lys; replaces glutamic acid 1523 with lysine.
Molecular consequence: missense variant.
Genome position (GRCh38, 1-based): chr16:2,085,024, G>A. VCF-style: chr16-2085024-G-A. GRCh37 (hg19) VCF-style: chr16-2135025-G-A.
Other names: c.4366G>A, p.Glu1456Lys (NM_001077183.3); c.4498G>A, p.Glu1500Lys (NM_001114382.3); c.4258G>A, p.Glu1420Lys (NM_001318827.2); c.4222G>A, p.Glu1408Lys (NM_001318829.2); c.3835G>A, p.Glu1279Lys (NM_001318831.2); c.4399G>A, p.Glu1467Lys (NM_001318832.2); c.4369G>A, p.Glu1457Lys (NM_001363528.2); c.4435G>A, p.Glu1479Lys (NM_001370404.1); and 1 more; short protein forms E1479K, E1500K, E1523K, E1279K, E1420K, E1456K, E1408K, E1467K.
Identifiers: ClinVar variation 1037708 (VCV001037708.10), dbSNP rs2090589588, ClinGen allele CA394303088.